The following is an entry in ClinVar:

NM_000037.4(ANK1):c.2960+1G>A

Gene: ANK1 (ankyrin 1; minus strand). Cytogenetic location: 8p11.21.
Variant type: single nucleotide variant.
Coding change: c.2960+1G>A on transcript NM_000037.4 (MANE Select); the canonical splice donor site of the intron after coding-DNA position 2960, G replaced by A.
Molecular consequence: splice donor variant.
Genome position (GRCh38, 1-based): chr8:41,696,362, C>T on the plus strand (G>A on the coding strand, the complement: ANK1 is on the minus strand). VCF-style: chr8-41696362-C-T. GRCh37 (hg19) VCF-style: chr8-41553880-C-T.
Other names: c.3083+1G>A (NM_001142446.2); c.2960+1G>A (NM_020477.3, NM_020475.3, NM_020476.3).
Identifiers: ClinVar variation 1163886 (VCV001163886.8), dbSNP rs2150596703, ClinGen allele CA371061851.

ClinVar aggregate classification (germline): Likely pathogenic. Review status: criteria provided, multiple submitters, no conflicts (2 of 4 stars). 2 submissions from 2 submitters: Likely pathogenic (2). Last evaluated 2022-09-13.

Conditions:
Hereditary spherocytosis type 1. Also called: Spherocytosis type 1; ANK1-Related Spherocytosis. Identifiers: Orphanet 822, MedGen C2674218, MONDO:0008447, OMIM 182900.

Submissions (2):

Revvity Omics, Revvity
Classification: Likely pathogenic for Hereditary spherocytosis type 1. Last evaluated: 2022-09-13. Review status: criteria provided, single submitter. Criteria: ACMG Guidelines, 2015. Collection method: clinical testing. Allele origin: germline.

Mayo Clinic Laboratories, Mayo Clinic
Classification: Likely pathogenic. Last evaluated: 2020-11-03. Review status: criteria provided, single submitter. Criteria: ACMG Guidelines, 2015. Collection method: clinical testing. Allele origin: germline. Observed: 1 variant allele.
Comment: PVS1, PM2

Literature cited by the submitters: PubMed 27292444 (cited by Mayo Clinic Laboratories, Mayo Clinic).